The following is an entry in ClinVar:

NM_001198800.3(ASCC1):c.585G>C (p.Gln195His)

Gene: ASCC1 (activating signal cointegrator 1 complex subunit 1; minus strand). Cytogenetic location: 10q22.1.
Variant type: single nucleotide variant.
Coding change: c.585G>C on transcript NM_001198800.3 (MANE Select); coding-DNA position 585, G replaced by C.
Protein change: p.Gln195His; replaces glutamine 195 with histidine.
Molecular consequence: missense variant. On other transcripts: non-coding transcript variant (1).
Genome position (GRCh38, 1-based): chr10:72,161,579, C>G on the plus strand (G>C on the coding strand, the complement: ASCC1 is on the minus strand). VCF-style: chr10-72161579-C-G. GRCh37 (hg19) VCF-style: chr10-73921337-C-G.
Other names: c.585G>C, p.Gln195His (NM_001198798.2, NM_001369087.1, NM_001369088.1 and 18 more transcripts); c.669G>C, p.Gln223His (NM_001198799.3); c.651G>C, p.Gln217His (NM_001369085.1, NM_001369086.1, NM_001369099.1); c.468G>C, p.Gln156His (NM_001369101.1, NM_001369102.1, NM_001369105.1 and 2 more transcripts); short protein forms Q195H, Q217H, Q156H, Q223H.
Identifiers: ClinVar variation 1997692 (VCV001997692.4), dbSNP rs1011530031, ClinGen allele CA377150323.

ClinVar aggregate classification (germline): Uncertain significance (1 of 4 stars; one submission).

Submission:

Labcorp Genetics (formerly Invitae), Labcorp
Classification: Uncertain significance. Last evaluated: 2023-08-17. Review status: criteria provided, single submitter. Criteria: Invitae Variant Classification Sherloc (09022015). Collection method: clinical testing. Allele origin: germline.
Comment: This variant is not present in population databases (gnomAD no frequency). This sequence change replaces glutamine, which is neutral and polar, with histidine, which is basic and polar, at codon 195 of the ASCC1 protein (p.Gln195His). This variant has not been reported in the literature in individuals affected with ASCC1-related conditions. In summary, the available evidence is currently insufficient to determine the role of this variant in disease. Therefore, it has been classified as a Variant of Uncertain Significance. Advanced modeling of protein sequence and biophysical properties (such as structural, functional, and spatial information, amino acid conservation, physicochemical variation, residue mobility, and thermodynamic stability) performed at Invitae indicates that this missense variant is not expected to disrupt ASCC1 protein function. ClinVar contains an entry for this variant (Variation ID: 1997692).